The following is an entry in ClinVar:

NM_000287.4(PEX6):c.1255dup (p.Val419fs)

Gene: PEX6 (peroxisomal biogenesis factor 6; minus strand). Cytogenetic location: 6p21.1.
Variant type: Duplication.
Coding change: c.1255dup on transcript NM_000287.4 (MANE Select); coding-DNA position 1255, one base duplicated (G; older notation c.1255dupG).
Protein change: p.Val419fs; shifts the reading frame from valine 419.
Molecular consequence: frameshift variant. On other transcripts: non-coding transcript variant (1).
Genome position (GRCh38, 1-based): chr6:42,969,780, C duplicated on the plus strand (G on the coding strand, the reverse complement: PEX6 is on the minus strand). VCF-style (leftmost placement, unchanged base first): chr6-42969779-A-AC. GRCh37 (hg19) VCF-style: chr6-42937517-A-AC.
Other names: c.991dup, p.Val331fs (NM_001316313.2); short protein forms V331fs, V419fs.
Identifiers: ClinVar variation 5013347 (VCV005013347.1).

ClinVar aggregate classification (germline): Pathogenic (1 of 4 stars; one submission).

Conditions:
Peroxisome biogenesis disorder. Identifiers: Orphanet 79189, MedGen C1832200, MONDO:0019234. Disease mechanism: loss of function.

Submission:

Myriad Genetics, Inc.
Classification: Pathogenic for Peroxisome biogenesis disorder. Last evaluated: 2024-07-22. Review status: criteria provided, single submitter. Criteria: Myriad Autosomal Dominant, Autosomal Recessive and X-Linked Classification Criteria (2023). Collection method: clinical testing. Allele origin: unknown.
Comment: NM_000287.3(PEX6):c.1255dupG(V419Gfs*26) is expected to be pathogenic in the context of peroxisome biogenesis disorder type 4. This variant is predicted to lead to an abnormal or absent protein product due to the creation of a premature termination codon in PEX6, a gene where loss-of-function variants are known to be pathogenic. Please note: this variant was assessed in the context of healthy population screening.